The following is an entry in ClinVar:

NM_022455.5(NSD1):c.3423_3424insCC (p.Asn1142fs)

Gene: NSD1 (nuclear receptor binding SET domain protein 1; plus strand). Cytogenetic location: 5q35.3.
Variant type: Insertion.
Coding change: c.3423_3424insCC on transcript NM_022455.5 (MANE Select); coding-DNA positions 3423 to 3424, CC inserted.
Protein change: p.Asn1142fs; shifts the reading frame from asparagine 1142.
Molecular consequence: frameshift variant.
Genome position: GRCh38 VCF-style: chr5-177211822-G-GCC. GRCh37 (hg19) VCF-style: chr5-176638823-G-GCC.
Other names: c.2550_2551insCC, p.Asn851Profs (NM_001365684.2, NM_001409306.1, NM_001409307.1 and 3 more transcripts); c.3423_3424insCC, p.Asn1142Profs (NM_001409301.1, NM_001409302.1, NM_001409303.1); c.3003_3004insCC, p.Asn1002Profs (NM_001409304.1); c.2670_2671insCC, p.Asn891Profs (NM_001409305.1); short protein forms N1142fs, N873fs.
Identifiers: ClinVar variation 422904 (VCV000422904.2), dbSNP rs1064796081, ClinGen allele CA16618172.
Genomic context (GRCh38, chr5:177,211,822, plus strand): 5'-AATTTCTGAAAAAGGACTCTCTTTTGAAAACGGAAAAGGCCCAGAGCTGGACTCTGTAAT[G>GCC]AACAGTGAGAATGATGAACTCAATGGTGTAAATCAAGTGGTGCCTAAAAAGCGGTGGCAG-3'

ClinVar aggregate classification (germline): Pathogenic (1 of 4 stars; one submission).

Submission:

GeneDx
Classification: Pathogenic. Last evaluated: 2017-01-12. Review status: criteria provided, single submitter. Criteria: GeneDx Variant Classification (06012015). Collection method: clinical testing. Allele origin: germline. Affected: yes.
Comment: The c.3423_3424insCC variant in the NSD1 gene has not been reported previously as a pathogenic variant nor as a benign variant, to our knowledge. This variant causes a frameshift starting with codon Asparagine 1142, changes this amino acid to a Proline residue, and creates a premature Stop codon at position 11 of the new reading frame, denoted p.Asn1142ProfsX11. This variant is predicted to cause loss of normal protein function either through protein truncation or nonsense-mediated mRNA decay. The c.3423_3424insCC variant was not observed in approximately 6500 individuals of European and African American ancestry in the NHLBI Exome Sequencing Project, indicating it is not a common benign variant in these populations. We interpret c.3423_3424insCC as a pathogenic variant.